The following is an entry in ClinVar:

NM_018127.7(ELAC2):c.499C>T (p.Pro167Ser)

Gene: ELAC2 (elaC ribonuclease Z 2; minus strand). Cytogenetic location: 17p12.
Variant type: single nucleotide variant.
Coding change: c.499C>T on transcript NM_018127.7 (MANE Select); coding-DNA position 499, C replaced by T.
Protein change: p.Pro167Ser; replaces proline 167 with serine.
Molecular consequence: missense variant.
Genome position (GRCh38, 1-based): chr17:13,013,267, G>A on the plus strand (C>T on the coding strand, the complement: ELAC2 is on the minus strand). VCF-style: chr17-13013267-G-A. GRCh37 (hg19) VCF-style: chr17-12916584-G-A.
Other names: c.499C>T, p.Pro167Ser (NM_001165962.2, NM_173717.2); short protein forms P167S.
Identifiers: ClinVar variation 1912747 (VCV001912747.5), dbSNP rs2508366256, ClinGen allele CA398217786.

ClinVar aggregate classification (germline): Uncertain significance (1 of 4 stars; one submission).

Conditions:
Combined oxidative phosphorylation defect type 17. Also called: Combined oxidative phosphorylation deficiency 17. Identifiers: Orphanet 369913, MedGen C3809526, MONDO:0014190, OMIM 615440.

Submission:

Labcorp Genetics (formerly Invitae), Labcorp
Classification: Uncertain significance for Combined oxidative phosphorylation defect type 17. Last evaluated: 2022-05-15. Review status: criteria provided, single submitter. Criteria: Invitae Variant Classification Sherloc (09022015). Collection method: clinical testing. Allele origin: germline.
Comment: This sequence change replaces proline, which is neutral and non-polar, with serine, which is neutral and polar, at codon 167 of the ELAC2 protein (p.Pro167Ser). This variant is not present in population databases (gnomAD no frequency). This variant has not been reported in the literature in individuals affected with ELAC2-related conditions. Algorithms developed to predict the effect of missense changes on protein structure and function are either unavailable or do not agree on the potential impact of this missense change (SIFT: "Tolerated"; PolyPhen-2: "Probably Damaging"; Align-GVGD: "Class C0"). In summary, the available evidence is currently insufficient to determine the role of this variant in disease. Therefore, it has been classified as a Variant of Uncertain Significance.